The following is an entry in ClinVar:

NM_000117.3(EMD):c.425C>G (p.Ser142Cys)

Gene: EMD (emerin; plus strand). Cytogenetic location: Xq28.
Variant type: single nucleotide variant.
Coding change: c.425C>G on transcript NM_000117.3 (MANE Select); coding-DNA position 425, C replaced by G.
Protein change: p.Ser142Cys; replaces serine 142 with cysteine.
Molecular consequence: missense variant.
Genome position (GRCh38, 1-based): chrX:154,380,778, C>G. VCF-style: chrX-154380778-C-G. GRCh37 (hg19) VCF-style: chrX-153609138-C-G.
Other names: short protein forms S142C.
Identifiers: ClinVar variation 3677350 (VCV003677350.2).
Genomic context (GRCh38, chrX:154,380,778, plus strand): 5'-CCAGCCAGTCCCCTCGCCCTGACTCTCTTCTGCAGGTGCATGATGACGATCTTTTGTCTT[C>G]TTCTGAAGAGGAGTGCAAGGATAGGTGCGTAGTGGGGGAGCCCAGGGACGGGCTGGTTCT-3'
Protein context (NP_000108.1, residues 132-152): HQVHDDDLLS[Ser142Cys]SEEECKDRER

ClinVar aggregate classification (germline): Uncertain significance (1 of 4 stars; one submission).

Conditions:
X-linked Emery-Dreifuss muscular dystrophy. Also called: Muscular dystrophy, tardive Emery-Dreifuss type, with contractures. Identifiers: Orphanet 261, Orphanet 98863, MedGen C0751337, MONDO:0010680.

Submission:

Labcorp Genetics (formerly Invitae), Labcorp
Classification: Uncertain significance for X-linked Emery-Dreifuss muscular dystrophy. Last evaluated: 2024-09-04. Review status: criteria provided, single submitter. Criteria: Invitae Variant Classification Sherloc (09022015). Collection method: clinical testing. Allele origin: germline.
Comment: This sequence change replaces serine, which is neutral and polar, with cysteine, which is neutral and slightly polar, at codon 142 of the EMD protein (p.Ser142Cys). This variant is not present in population databases (gnomAD no frequency). This variant has not been reported in the literature in individuals affected with EMD-related conditions. Invitae Evidence Modeling of protein sequence and biophysical properties (such as structural, functional, and spatial information, amino acid conservation, physicochemical variation, residue mobility, and thermodynamic stability) has been performed for this missense variant. However, the output from this modeling did not meet the statistical confidence thresholds required to predict the impact of this variant on EMD protein function. In summary, the available evidence is currently insufficient to determine the role of this variant in disease. Therefore, it has been classified as a Variant of Uncertain Significance.